The following is an entry in ClinVar:

ClinVar aggregate classification (germline): Benign. Review status: criteria provided, single submitter (1 of 4 stars). 2 submissions from 2 submitters: Benign (1). 1 of the submissions does not count toward it. Last evaluated 2026-02-02.

Conditions:
LRBA-related disorder. Also called: LRBA-related condition.
Combined immunodeficiency due to LRBA deficiency. Also called: Common variable immunodeficiency 8, with autoimmunity. Identifiers: Orphanet 445018, MedGen C3553512, MONDO:0013863, OMIM 614700.

Allele frequency attached by ClinVar (database versions not stated): gnomAD 0.00031 and 0.00039; TOPMed 0.00052; ExAC 0.00104; gnomAD exomes 0.00119; 1000 Genomes Project 0.00160; 1000 Genomes Project 30x 0.00172.
gnomAD v4.1: 495 of 1,614,132 alleles (0.031%); highest among the groups gnomAD compares: East Asian, 1%; 3 homozygotes.

Submissions (2):

Labcorp Genetics (formerly Invitae), Labcorp
Classification: Benign for Combined immunodeficiency due to LRBA deficiency. Last evaluated: 2026-02-02. Review status: criteria provided, single submitter. Criteria: Invitae Variant Classification Sherloc (09022015). Collection method: clinical testing. Allele origin: germline.

PreventionGenetics, part of Exact Sciences
Classification: Likely benign for LRBA-related condition. Last evaluated: 2023-12-23. Review status: no assertion criteria provided. Collection method: clinical testing. Allele origin: germline. Not counted in ClinVar's aggregate classification.
Comment: This variant is classified as likely benign based on ACMG/AMP sequence variant interpretation guidelines (Richards et al. 2015 PMID: 25741868, with internal and published modifications).

NM_001364905.1(LRBA):c.8403G>C (p.Lys2801Asn)

Gene: LRBA (LPS responsive beige-like anchor protein; minus strand). Cytogenetic location: 4q31.3.
Variant type: single nucleotide variant.
Coding change: c.8403G>C on transcript NM_001364905.1 (MANE Select); coding-DNA position 8403, G replaced by C.
Protein change: p.Lys2801Asn; replaces lysine 2801 with asparagine.
Molecular consequence: missense variant.
Genome position (GRCh38, 1-based): chr4:150,277,918, C>G on the plus strand (G>C on the coding strand, the complement: LRBA is on the minus strand). VCF-style: chr4-150277918-C-G. GRCh37 (hg19) VCF-style: chr4-151199070-C-G.
Other names: c.8400G>C, p.Lys2800Asn (NM_001199282.3); c.8418G>C, p.Lys2806Asn (NM_001367550.1); c.8436G>C, p.Lys2812Asn (NM_006726.5); short protein forms K2801N, K2800N, K2806N, K2812N.
Identifiers: ClinVar variation 713202 (VCV000713202.13), dbSNP rs200809013, ClinGen allele CA3101354.